The following is an entry in ClinVar:

NM_000195.5(HPS1):c.90C>T (p.Phe30=)

Gene: HPS1 (HPS1 biogenesis of lysosomal organelles complex 3 subunit 1; minus strand). Cytogenetic location: 10q24.2.
Variant type: single nucleotide variant.
Coding change: c.90C>T on transcript NM_000195.5 (MANE Select); coding-DNA position 90, C replaced by T.
Protein change: p.Phe30=; no amino-acid change (phenylalanine 30 retained).
Molecular consequence: synonymous variant. On other transcripts: 5 prime UTR variant (6).
Genome position (GRCh38, 1-based): chr10:98,443,151, G>A on the plus strand (C>T on the coding strand, the complement: HPS1 is on the minus strand). VCF-style: chr10-98443151-G-A. GRCh37 (hg19) VCF-style: chr10-100202908-G-A.
Other names: c.-827C>T (NM_001311345.2); c.90C>T, p.Phe30= (NM_001322476.2, NM_001322477.2, NM_001322478.2 and 8 more transcripts); c.-137C>T (NM_001322483.2, NM_001322484.2, NM_001322485.2); c.-926C>T (NM_001322487.2); c.-684C>T (NM_001322489.2).
Identifiers: ClinVar variation 794999 (VCV000794999.16), dbSNP rs765362355, ClinGen allele CA5639515.

ClinVar aggregate classification (germline): Conflicting classifications of pathogenicity. Review status: criteria provided, conflicting classifications (1 of 4 stars). 4 submissions from 4 submitters: Uncertain significance (1); Likely benign (2). 1 of the submissions does not count toward it. Last evaluated 2026-01-13.

Conditions:
Hermansky-Pudlak syndrome 1 (HPS1). Also called: DELTA STORAGE POOL DISEASE. Identifiers: Orphanet 231500, Orphanet 79430, MedGen C2931875, MONDO:0008748, OMIM 203300.
HPS1-related disorder. Also called: HPS1-related condition.
Hermansky-Pudlak syndrome (HPS). Also called: ALBINISM WITH HEMORRHAGIC DIATHESIS AND PIGMENTED RETICULOENDOTHELIAL CELLS. Identifiers: Orphanet 79430, MedGen C0079504, MONDO:0019312.

Allele frequency attached by ClinVar (database versions not stated): gnomAD exomes 0.00005 and 0.00012; gnomAD 0.00007 and 0.00008; TOPMed 0.00010; ExAC 0.00015.

Submissions (4):

Labcorp Genetics (formerly Invitae), Labcorp
Classification: Likely benign. Last evaluated: 2026-01-13. Review status: criteria provided, single submitter. Criteria: Invitae Variant Classification Sherloc (09022015). Collection method: clinical testing. Allele origin: germline.

PreventionGenetics, part of Exact Sciences
Classification: Likely benign for HPS1-related condition. Last evaluated: 2025-07-22. Review status: criteria provided, single submitter. Criteria: ACMG Guidelines, 2015. Collection method: clinical testing. Allele origin: germline.
Comment: This variant is classified as likely benign based on ACMG/AMP sequence variant interpretation guidelines (Richards et al. 2015 PMID: 25741868, with internal and published modifications).

Illumina Laboratory Services, Illumina
Classification: Uncertain significance for Hermansky-Pudlak syndrome 1. Last evaluated: 2018-01-13. Review status: criteria provided, single submitter. Criteria: ICSL Variant Classification Criteria 13 December 2019. Collection method: clinical testing. Allele origin: germline.

Natera, Inc.
Classification: Likely benign for Hermansky-Pudlak syndrome. Last evaluated: 2020-04-11. Review status: no assertion criteria provided. Collection method: clinical testing. Allele origin: germline. Not counted in ClinVar's aggregate classification.